The following is an entry in ClinVar:

ClinVar aggregate classification (germline): Uncertain significance (1 of 4 stars; one submission).

Allele frequency attached by ClinVar (database versions not stated): gnomAD exomes below 0.00001.
gnomAD v4.1: 6 of 1,614,128 alleles (0.00037%); highest among the groups gnomAD compares: Non-Finnish European, 0.00051%; no homozygotes.

Submission:

Labcorp Genetics (formerly Invitae), Labcorp
Classification: Uncertain significance. Last evaluated: 2025-07-28. Review status: criteria provided, single submitter. Criteria: Invitae Variant Classification Sherloc (09022015). Collection method: clinical testing. Allele origin: germline.
Comment: This sequence change replaces threonine, which is neutral and polar, with isoleucine, which is neutral and non-polar, at codon 2658 of the USH2A protein (p.Thr2658Ile). This variant is not present in population databases (gnomAD no frequency). This variant has not been reported in the literature in individuals affected with USH2A-related conditions. ClinVar contains an entry for this variant (Variation ID: 2049987). Invitae Evidence Modeling of protein sequence and biophysical properties (such as structural, functional, and spatial information, amino acid conservation, physicochemical variation, residue mobility, and thermodynamic stability) has been performed for this missense variant. However, the output from this modeling did not meet the statistical confidence thresholds required to predict the impact of this variant on USH2A protein function. In summary, the available evidence is currently insufficient to determine the role of this variant in disease. Therefore, it has been classified as a Variant of Uncertain Significance.

NM_206933.4(USH2A):c.7973C>T (p.Thr2658Ile)

Gene: USH2A (usherin; minus strand). Cytogenetic location: 1q41.
Variant type: single nucleotide variant.
Coding change: c.7973C>T on transcript NM_206933.4 (MANE Select); coding-DNA position 7973, C replaced by T.
Protein change: p.Thr2658Ile; replaces threonine 2658 with isoleucine.
Molecular consequence: missense variant.
Genome position (GRCh38, 1-based): chr1:215,888,676, G>A on the plus strand (C>T on the coding strand, the complement: USH2A is on the minus strand). VCF-style: chr1-215888676-G-A. GRCh37 (hg19) VCF-style: chr1-216062018-G-A.
Other names: short protein forms T2658I.
Identifiers: ClinVar variation 2049987 (VCV002049987.2), dbSNP rs891321408, ClinGen allele CA344839339.